The following is an entry in ClinVar:

ClinVar aggregate classification (germline): Uncertain significance. Review status: criteria provided, multiple submitters, no conflicts (2 of 4 stars). 2 submissions from 2 submitters: Uncertain significance (2). Last evaluated 2025-05-09.

Conditions:
TNF receptor-associated periodic fever syndrome (TRAPS) (FPF). Also called: Autosomal Dominant Familial Periodic Fever; TNF Receptor-Associated Periodic Fever Syndrome; FAMILIAL HIBERNIAN FEVER; TNF RECEPTOR-ASSOCIATED PERIODIC SYNDROME; TUMOR NECROSIS FACTOR RECEPTOR-ASSOCIATED PERIODIC SYNDROME; TNF receptor 1-associated periodic fever syndrome. Identifiers: Orphanet 32960, MedGen C1275126, MONDO:0007727, OMIM 142680.

Allele frequency attached by ClinVar (database versions not stated): gnomAD exomes 0.00002.
gnomAD v4.1: 30 of 1,612,710 alleles (0.0019%); highest among the groups gnomAD compares: African/African-American, 0.0094%; no homozygotes.

Submissions (2):

GeneDx
Classification: Uncertain significance. Last evaluated: 2025-05-09. Review status: criteria provided, single submitter. Criteria: GeneDx Variant Classification Process June 2021. Collection method: clinical testing. Allele origin: germline. Affected: yes.
Comment: Not observed at significant frequency in large population cohorts (gnomAD); In silico analysis supports that this missense variant has a deleterious effect on protein structure/function; Located in a region that tolerates variation and lacks pathogenic variants; Has not been previously published as pathogenic or benign to our knowledge; Also known as G228R

Labcorp Genetics (formerly Invitae), Labcorp
Classification: Uncertain significance for TNF receptor-associated periodic fever syndrome (TRAPS). Last evaluated: 2024-01-07. Review status: criteria provided, single submitter. Criteria: Invitae Variant Classification Sherloc (09022015). Collection method: clinical testing. Allele origin: germline.
Comment: This sequence change replaces glycine, which is neutral and non-polar, with arginine, which is basic and polar, at codon 257 of the TNFRSF1A protein (p.Gly257Arg). This variant is present in population databases (rs201623463, gnomAD 0.007%). This variant has not been reported in the literature in individuals affected with TNFRSF1A-related conditions. ClinVar contains an entry for this variant (Variation ID: 1385420). An algorithm developed to predict the effect of missense changes on protein structure and function (PolyPhen-2) suggests that this variant is likely to be tolerated. In summary, the available evidence is currently insufficient to determine the role of this variant in disease. Therefore, it has been classified as a Variant of Uncertain Significance.

NM_001065.4(TNFRSF1A):c.769G>C (p.Gly257Arg)

Gene: TNFRSF1A (TNF receptor superfamily member 1A; minus strand). Cytogenetic location: 12p13.31.
Variant type: single nucleotide variant.
Coding change: c.769G>C on transcript NM_001065.4 (MANE Select); coding-DNA position 769, G replaced by C.
Protein change: p.Gly257Arg; replaces glycine 257 with arginine.
Molecular consequence: missense variant. On other transcripts: non-coding transcript variant (1).
Genome position (GRCh38, 1-based): chr12:6,330,066, C>G on the plus strand (G>C on the coding strand, the complement: TNFRSF1A is on the minus strand). VCF-style: chr12-6330066-C-G. GRCh37 (hg19) VCF-style: chr12-6439232-C-G.
Other names: c.769G>C (NM_001065.3); c.445G>C, p.Gly149Arg (NM_001346091.2); c.310G>C, p.Gly104Arg (NM_001346092.2); short protein forms G149R, G104R, G257R.
Identifiers: ClinVar variation 1385420 (VCV001385420.7), dbSNP rs201623463, ClinGen allele CA232326602.